The following is an entry in ClinVar:

ClinVar aggregate classification (germline): Likely pathogenic (1 of 4 stars; one submission).

Submission:

Labcorp Genetics (formerly Invitae), Labcorp
Classification: Likely pathogenic. Last evaluated: 2024-12-22. Review status: criteria provided, single submitter. Criteria: Invitae Variant Classification Sherloc (09022015). Collection method: clinical testing. Allele origin: germline.
Comment: This sequence change affects an acceptor splice site in intron 10 of the ENPP1 gene. It is expected to disrupt RNA splicing. Variants that disrupt the donor or acceptor splice site typically lead to a loss of protein function (PMID: 16199547), and loss-of-function variants in ENPP1 are known to be pathogenic (PMID: 12881724, 15605415, 16369898, 20016754, 20137773, 22539483). This variant is not present in population databases (gnomAD no frequency). Disruption of this splice site has been observed in individual(s) with hypophosphatemic rickets (PMID: 35899574). Algorithms developed to predict the effect of sequence changes on RNA splicing suggest that this variant may disrupt the consensus splice site. In summary, the currently available evidence indicates that the variant is pathogenic, but additional data are needed to prove that conclusively. Therefore, this variant has been classified as Likely Pathogenic.

Literature cited by the submitters: PubMed 16199547; PubMed 12881724; PubMed 15605415; PubMed 16369898; PubMed 20016754; PubMed 20137773; PubMed 22539483; PubMed 35899574.

NM_006208.3(ENPP1):c.1092-2A>C

Gene: ENPP1 (ectonucleotide pyrophosphatase/phosphodiesterase 1; plus strand). Cytogenetic location: 6q23.2.
Variant type: single nucleotide variant.
Coding change: c.1092-2A>C on transcript NM_006208.3 (MANE Select); the canonical splice acceptor site of the intron before coding-DNA position 1092, A replaced by C.
Molecular consequence: splice acceptor variant.
Genome position (GRCh38, 1-based): chr6:131,864,864, A>C. VCF-style: chr6-131864864-A-C. GRCh37 (hg19) VCF-style: chr6-132186004-A-C.
Identifiers: ClinVar variation 3724225 (VCV003724225.2).